The following is an entry in ClinVar:

ClinVar aggregate classification (germline): Conflicting classifications of pathogenicity. Review status: criteria provided, conflicting classifications (1 of 4 stars). 2 submissions from 2 submitters: Uncertain significance (1); Likely benign (1). Last evaluated 2023-03-23.

Conditions:
Hereditary cancer-predisposing syndrome. Also called: Neoplastic Syndromes, Hereditary; Tumor predisposition; Hereditary Cancer Syndrome; Hereditary neoplastic syndrome. Identifiers: Orphanet 140162, MedGen C0027672, MeSH D009386, MONDO:0015356.

Submissions (2):

University of Washington Department of Laboratory Medicine, University of Washington
Classification: Likely benign for Hereditary cancer-predisposing syndrome. Last evaluated: 2023-03-23. Review status: criteria provided, single submitter. Criteria: Dines et al. (Genet Med. 2020). Collection method: curation. Allele origin: germline.
Comment: Missense variant in a coldspot region where missense variants are very unlikely to be pathogenic (PMID:31911673).

BRCA2 exon 10 coldspot. Reclassification based on statistical prior probability.

Ambry Genetics
Classification: Uncertain significance for Hereditary cancer-predisposing syndrome. Last evaluated: 2020-02-13. Review status: criteria provided, single submitter. Criteria: Ambry Variant Classification Scheme 2023. Collection method: clinical testing. Allele origin: germline.
Comment: The p.S571F variant (also known as c.1712C>T), located in coding exon 9 of the BRCA2 gene, results from a C to T substitution at nucleotide position 1712. The serine at codon 571 is replaced by phenylalanine, an amino acid with highly dissimilar properties. This amino acid position is well conserved in available vertebrate species. In addition, this alteration is predicted to be tolerated by in silico analysis. Since supporting evidence is limited at this time, the clinical significance of this alteration remains unclear.

NM_000059.4(BRCA2):c.1712C>T (p.Ser571Phe)

Gene: BRCA2 (BRCA2 DNA repair associated; plus strand). Cytogenetic location: 13q13.1.
Variant type: single nucleotide variant.
Coding change: c.1712C>T on transcript NM_000059.4 (MANE Select); coding-DNA position 1712, C replaced by T.
Protein change: p.Ser571Phe; replaces serine 571 with phenylalanine.
Molecular consequence: missense variant.
Genome position (GRCh38, 1-based): chr13:32,333,190, C>T. VCF-style: chr13-32333190-C-T. GRCh37 (hg19) VCF-style: chr13-32907327-C-T.
Other names: c.1712C>T, p.Ser571Phe (NM_001406719.1, NM_001406720.1, NM_001406721.1); short protein forms S571F.
Identifiers: ClinVar variation 1778588 (VCV001778588.4), dbSNP rs2137474144, ClinGen allele CA387765305.
Genomic context (GRCh38, chr13:32,333,190, plus strand): 5'-ACTCCTTATGTCCAAATTTAATTGATAATGGAAGCTGGCCAGCCACCACCACACAGAATT[C>T]TGTAGCTTTGAAGAATGCAGGTTTAATATCCACTTTGAAAAAGAAAACAAATAAGTTTAT-3'
Protein context (NP_000050.3, residues 561-581): GSWPATTTQN[Ser571Phe]VALKNAGLIS